The following is an entry in ClinVar:

NM_000321.3(RB1):c.1216-1G>T

Gene: RB1 (RB transcriptional corepressor 1; plus strand). Cytogenetic location: 13q14.2.
Variant type: single nucleotide variant.
Coding change: c.1216-1G>T on transcript NM_000321.3 (MANE Select); the canonical splice acceptor site of the intron before coding-DNA position 1216, G replaced by T.
Molecular consequence: splice acceptor variant.
Genome position (GRCh38, 1-based): chr13:48,376,917, G>T. VCF-style: chr13-48376917-G-T. GRCh37 (hg19) VCF-style: chr13-48951053-G-T.
Other names: NC_000013.10:g.48951053G>T; c.1216-1G>T (NM_001407165.1, NM_001407166.1).
Identifiers: ClinVar variation 4392890 (VCV004392890.3).

ClinVar aggregate classification (germline): Pathogenic (1 of 4 stars; one submission).
ClinVar aggregate classification (oncogenicity): Likely oncogenic (1 of 4 stars; one submission).

Conditions:
Retinoblastoma (RB1). Also called: RETINOBLASTOMA, SOMATIC. Identifiers: Orphanet 790, MedGen C0035335, MeSH D012175, MONDO:0008380, OMIM 180200, HP:0009919. Disease mechanism: loss of function. Inheritance: Both sporadic and heritable forms are tested..
Neoplasm. Also called: tumor; Neoplasms; Neoplasm (disease). Identifiers: MedGen C0027651, MeSH D009369, MONDO:0005070, HP:0002664.

Submissions (3):

Diller/Parad Lab, Dana-Farber/Harvard Cancer Center
Classification: Pathogenic for Retinoblastoma. Last evaluated: 2026-05-29. Review status: criteria provided, single submitter. Criteria: ACMG Guidelines, 2015. Collection method: research. Allele origin: germline. Affected: yes.
Comment: It has been classified as Pathogenic using Richards et al (PMID:25741868) based on the following evidence codes: PM2, PVS1, PP3.

Center for Genomic Medicine, Rigshospitalet, Copenhagen University Hospital
Classification: Likely oncogenic for Neoplasm. Last evaluated: 2025-12-29. Review status: criteria provided, single submitter. Criteria: ClinGen/CGC/VICC Guidelines for Oncogenicity, 2022. Collection method: clinical testing. Allele origin: somatic. Affected: yes.

Dr. Peter K. Rogan Lab, Western University
No classification provided (evidence only). Condition: Cervical cancer. Review status: no classification provided. Collection method: in vitro. Allele origin: not applicable. Functional consequence: skipped exon. Not counted in ClinVar's aggregate classification.